The following is an entry in ClinVar:

NM_014989.7(RIMS1):c.2093G>A (p.Arg698Gln)

Gene: RIMS1 (regulating synaptic membrane exocytosis 1; plus strand). Cytogenetic location: 6q13.
Variant type: single nucleotide variant.
Coding change: c.2093G>A on transcript NM_014989.7 (MANE Select); coding-DNA position 2093, G replaced by A.
Protein change: p.Arg698Gln; replaces arginine 698 with glutamine.
Molecular consequence: missense variant.
Genome position (GRCh38, 1-based): chr6:72,245,826, G>A. VCF-style: chr6-72245826-G-A. GRCh37 (hg19) VCF-style: chr6-72955529-G-A.
Other names: c.515G>A, p.Arg172Gln (NM_001168407.2, NM_001168408.2, NM_001350414.2 and 37 more transcripts); c.272G>A, p.Arg91Gln (NM_001168409.2, NM_001350461.2, NM_001350463.2 and 6 more transcripts); c.470G>A, p.Arg157Gln (NM_001168410.2, NM_001350470.2, NM_001350472.2 and 2 more transcripts); c.446G>A, p.Arg149Gln (NM_001350421.2, NM_001350424.2, NM_001350428.2 and 6 more transcripts); short protein forms R172Q, R149Q, R698Q, R157Q, R91Q.
Identifiers: ClinVar variation 961532 (VCV000961532.10), dbSNP rs746162365, ClinGen allele CA3885892.
Genomic context (GRCh38, chr6:72,245,826, plus strand): 5'-GCAGGGTCATTTAACTAATGGGATTTTCACCATATCCTGTTTCTTTTAGTGACATTCCCC[G>A]GATTCCTGAGAGCTCCCACCCTCCACTGGAGTCCAGTGAGTATAAGGTTTCTTTGTTATT-3'
Protein context (NP_055804.2, residues 688-708): IVSRPIGDIP[Arg698Gln]IPESSHPPLE

ClinVar aggregate classification (germline): Uncertain significance (1 of 4 stars; one submission).

Allele frequency attached by ClinVar (database versions not stated): ExAC 0.00001; gnomAD 0.00001; gnomAD exomes 0.00001 and 0.00002; TOPMed 0.00001.
gnomAD v4.1: 25 of 1,609,648 alleles (0.0016%); highest among the groups gnomAD compares: South Asian, 0.0033%; no homozygotes.

Submission:

Labcorp Genetics (formerly Invitae), Labcorp
Classification: Uncertain significance. Last evaluated: 2022-03-19. Review status: criteria provided, single submitter. Criteria: Invitae Variant Classification Sherloc (09022015). Collection method: clinical testing. Allele origin: germline.
Comment: In summary, the available evidence is currently insufficient to determine the role of this variant in disease. Therefore, it has been classified as a Variant of Uncertain Significance. Algorithms developed to predict the effect of sequence changes on RNA splicing suggest that this variant may create or strengthen a splice site. Algorithms developed to predict the effect of missense changes on protein structure and function are either unavailable or do not agree on the potential impact of this missense change (SIFT: "Deleterious"; PolyPhen-2: "Benign"; Align-GVGD: "Class C35"). ClinVar contains an entry for this variant (Variation ID: 961532). This variant has not been reported in the literature in individuals affected with RIMS1-related conditions. This variant is present in population databases (rs746162365, gnomAD 0.003%). This sequence change replaces arginine, which is basic and polar, with glutamine, which is neutral and polar, at codon 698 of the RIMS1 protein (p.Arg698Gln).